The following is an entry in ClinVar:

ClinVar aggregate classification (germline): Uncertain significance. Review status: criteria provided, multiple submitters, no conflicts (2 of 4 stars). 2 submissions from 2 submitters: Uncertain significance (2). Last evaluated 2025-02-11.

Submissions (2):

GeneDx
Classification: Uncertain significance. Last evaluated: 2025-02-11. Review status: criteria provided, single submitter. Criteria: GeneDx Variant Classification Process June 2021. Collection method: clinical testing. Allele origin: germline. Affected: yes.
Comment: Not observed at significant frequency in large population cohorts (gnomAD); In silico analysis supports a deleterious effect on splicing; Has not been previously published as pathogenic or benign to our knowledge

Labcorp Genetics (formerly Invitae), Labcorp
Classification: Uncertain significance. Last evaluated: 2023-10-05. Review status: criteria provided, single submitter. Criteria: Invitae Variant Classification Sherloc (09022015). Collection method: clinical testing. Allele origin: germline.
Comment: This sequence change falls in intron 5 of the SIN3A gene. It does not directly change the encoded amino acid sequence of the SIN3A protein. This variant is not present in population databases (gnomAD no frequency). This variant has not been reported in the literature in individuals affected with SIN3A-related conditions. Experimental studies and prediction algorithms are not available or were not evaluated, and the effect of this variant on mRNA splicing is currently unknown. In summary, the available evidence is currently insufficient to determine the role of this variant in disease. Therefore, it has been classified as a Variant of Uncertain Significance.

NM_001145358.2(SIN3A):c.757-25_757-9del

Gene: SIN3A (SIN3 transcription regulator family member A; minus strand). Cytogenetic location: 15q24.2.
Variant type: Deletion.
Coding change: c.757-25_757-9del on transcript NM_001145358.2 (MANE Select); 25 bases into the intron before coding-DNA position 757 through 9 bases into the intron before coding-DNA position 757, 17 bases deleted (GAATAAAGATTTCTTTT).
Molecular consequence: intron variant.
Genome position (GRCh38, 1-based): chr15:75,411,752-75,411,768, AAAAGAAATCTTTATTC deleted on the plus strand (GAATAAAGATTTCTTTT on the coding strand, the reverse complement: SIN3A is on the minus strand). VCF-style (leftmost placement, unchanged base first): chr15-75411751-GAAAAGAAATCTTTATTC-G. GRCh37 (hg19) VCF-style: chr15-75704092-GAAAAGAAATCTTTATTC-G.
Other names: c.757-25_757-9del (NM_001145357.2, NM_015477.3).
Identifiers: ClinVar variation 2750301 (VCV002750301.4), dbSNP rs2542691934, ClinGen allele CA2697549211.